The following is an entry in ClinVar:

NM_002317.7(LOX):c.769dup (p.Tyr257fs)

Genes: LOX (lysyl oxidase; minus strand), SRFBP1 (serum response factor binding protein 1; plus strand). Cytogenetic location: 5q23.1.
Variant type: Duplication.
Coding change: c.769dup on transcript NM_002317.7 (MANE Select); coding-DNA position 769, one base duplicated (T; older notation c.769dupT).
Protein change: p.Tyr257fs; shifts the reading frame from tyrosine 257.
Molecular consequence: frameshift variant. On other transcripts: 5 prime UTR variant (1).
Genome position (GRCh38, 1-based): chr5:122,075,513, A duplicated on the plus strand (T on the coding strand, the reverse complement: LOX is on the minus strand); the first of 2 consecutive A bases (chr5:122,075,513-122,075,514); duplicating either gives the same sequence. VCF-style (leftmost placement, unchanged base first): chr5-122075512-T-TA. GRCh37 (hg19) VCF-style: chr5-121411207-T-TA.
Other names: c.79dup, p.Tyr27fs (NM_001178102.2); c.-123dup (NM_001317073.1); short protein forms Y27fs, Y257fs.
Identifiers: ClinVar variation 2844217 (VCV002844217.3), dbSNP rs2532911608, ClinGen allele CA2739275000.

ClinVar aggregate classification (germline): Pathogenic (1 of 4 stars; one submission).

Submission:

Labcorp Genetics (formerly Invitae), Labcorp
Classification: Pathogenic. Last evaluated: 2024-08-29. Review status: criteria provided, single submitter. Criteria: Invitae Variant Classification Sherloc (09022015). Collection method: clinical testing. Allele origin: germline.
Comment: This sequence change creates a premature translational stop signal (p.Tyr257Leufs*2) in the LOX gene. It is expected to result in an absent or disrupted protein product. Loss-of-function variants in LOX are known to be pathogenic (PMID: 12417550, 26838787, 27432961). This variant is not present in population databases (gnomAD no frequency). This variant has not been reported in the literature in individuals affected with LOX-related conditions. For these reasons, this variant has been classified as Pathogenic.

Literature cited by the submitters: PubMed 12417550; PubMed 26838787; PubMed 27432961.